The following is an entry in ClinVar:

ClinVar aggregate classification (germline): Likely pathogenic (1 of 4 stars; one submission).

Allele frequency attached by ClinVar (database versions not stated): TOPMed 0.00001.

Submission:

Labcorp Genetics (formerly Invitae), Labcorp
Classification: Likely pathogenic. Last evaluated: 2022-07-11. Review status: criteria provided, single submitter. Criteria: Invitae Variant Classification Sherloc (09022015). Collection method: clinical testing. Allele origin: germline.
Comment: In summary, the currently available evidence indicates that the variant is pathogenic, but additional data are needed to prove that conclusively. Therefore, this variant has been classified as Likely Pathogenic. Algorithms developed to predict the effect of sequence changes on RNA splicing suggest that this variant may disrupt the consensus splice site. This variant has not been reported in the literature in individuals affected with EYS-related conditions. This variant is not present in population databases (gnomAD no frequency). This sequence change affects an acceptor splice site in intron 12 of the EYS gene. It is expected to disrupt RNA splicing. Variants that disrupt the donor or acceptor splice site typically lead to a loss of protein function (PMID: 16199547), and loss-of-function variants in EYS are known to be pathogenic (PMID: 18836446, 20333770).

Literature cited by the submitters: PubMed 16199547; PubMed 18836446; PubMed 20333770.

NM_001142800.2(EYS):c.2024-1G>C

Gene: EYS (EGF-like photoreceptor maintenance factor; minus strand). Cytogenetic location: 6q12.
Variant type: single nucleotide variant.
Coding change: c.2024-1G>C on transcript NM_001142800.2 (MANE Select); the canonical splice acceptor site of the intron before coding-DNA position 2024, G replaced by C.
Molecular consequence: splice acceptor variant.
Genome position (GRCh38, 1-based): chr6:65,057,728, C>G on the plus strand (G>C on the coding strand, the complement: EYS is on the minus strand). VCF-style: chr6-65057728-C-G. GRCh37 (hg19) VCF-style: chr6-65767621-C-G.
Other names: c.2024-1G>C (NM_001292009.2).
Identifiers: ClinVar variation 2015890 (VCV002015890.4), dbSNP rs1363641203, ClinGen allele CA364787780.